The following is an entry in ClinVar:

NM_018489.3(ASH1L):c.8887C>T (p.Arg2963Ter)

Gene: ASH1L (ASH1 like histone lysine methyltransferase; minus strand). Cytogenetic location: 1q22.
Variant type: single nucleotide variant.
Coding change: c.8887C>T on transcript NM_018489.3 (MANE Select); coding-DNA position 8887, C replaced by T.
Protein change: p.Arg2963Ter; replaces arginine 2963 with a stop codon.
Molecular consequence: nonsense.
Genome position (GRCh38, 1-based): chr1:155,337,668, G>A on the plus strand (C>T on the coding strand, the complement: ASH1L is on the minus strand). VCF-style: chr1-155337668-G-A. GRCh37 (hg19) VCF-style: chr1-155307459-G-A.
Other names: c.8902C>T, p.Arg2968Ter (NM_001366177.2); short protein forms R2963*, R2968*.
Identifiers: ClinVar variation 3049596 (VCV003049596.6), dbSNP rs143633976, ClinGen allele CA1145770.

ClinVar aggregate classification (germline): Conflicting classifications of pathogenicity. Review status: criteria provided, conflicting classifications (1 of 4 stars). 4 submissions from 4 submitters: Uncertain significance (1); Likely benign (2). 1 of the submissions does not count toward it. Last evaluated 2026-06-01.

Conditions:
Inborn genetic diseases. Identifiers: MedGen C0950123, MeSH D030342.
Intellectual developmental disorder, autosomal dominant 52. Also called: Mental retardation, autosomal dominant 52; Intellectual disability, autosomal dominant 52. Identifiers: MedGen C4540478, MONDO:0030918, OMIM 617796.
ASH1L-related disorder. Also called: ASH1L-related condition.

Allele frequency attached by ClinVar (database versions not stated): ExAC 0.00008; gnomAD 0.00013; TOPMed 0.00013; gnomAD exomes 0.00032; ESP Exome Variant Server 0.00038.
gnomAD v4.1: 479 of 1,613,400 alleles (0.03%); highest among the groups gnomAD compares: Non-Finnish European, 0.039%; no homozygotes.

Submissions (4):

CeGaT Center for Human Genetics Tuebingen
Classification: Likely benign. Last evaluated: 2026-06-01. Review status: criteria provided, single submitter. Criteria: CeGaT Center For Human Genetics Tuebingen Variant Classification Criteria Version 2. Collection method: clinical testing. Allele origin: germline. Affected: yes. Observed: 1 variant allele.
Comment: ASH1L: BS1

Department of Pathology and Laboratory Medicine, Sinai Health System
Classification: Uncertain significance for Intellectual developmental disorder, autosomal dominant 52. Last evaluated: 2023-08-03. Review status: criteria provided, single submitter. Criteria: ACMG Guidelines, 2015. Collection method: research. Allele origin: germline.

Ambry Genetics
Classification: Likely benign for Inborn genetic diseases. Last evaluated: 2022-01-06. Review status: criteria provided, single submitter. Criteria: Ambry Variant Classification Scheme 2023. Collection method: clinical testing. Allele origin: germline.

PreventionGenetics, part of Exact Sciences
Classification: Likely benign for ASH1L-related condition. Last evaluated: 2024-02-05. Review status: no assertion criteria provided. Collection method: clinical testing. Allele origin: germline. Not counted in ClinVar's aggregate classification.
Comment: This variant is classified as likely benign based on ACMG/AMP sequence variant interpretation guidelines (Richards et al. 2015 PMID: 25741868, with internal and published modifications).